The following is an entry in ClinVar:

ClinVar aggregate classification (germline): Likely benign. Review status: criteria provided, multiple submitters, no conflicts (2 of 4 stars). 5 submissions from 5 submitters: Likely benign (4). 1 of the submissions does not count toward it. Last evaluated 2026-04-01.

Conditions:
PGM1-related disorder. Also called: PGM1-related condition; PGM1-related disorders.
PGM1-congenital disorder of glycosylation. Also called: Congenital disorder of glycosylation type 1t; PHOSPHOGLUCOMUTASE 1 DEFICIENCY; PGM1 DEFICIENCY; GLYCOGEN STORAGE DISEASE XIV; GSD XIV; CDG It. Identifiers: Orphanet 319646, MedGen C2752015, MONDO:0013968, OMIM 614921.

Allele frequency attached by ClinVar (database versions not stated): ExAC 0.00012; ESP Exome Variant Server 0.00015; gnomAD exomes 0.00016 and 0.00033; gnomAD 0.00022 and 0.00023; TOPMed 0.00024.
gnomAD v4.1: 505 of 1,582,702 alleles (0.032%); highest among the groups gnomAD compares: Non-Finnish European, 0.039%; no homozygotes.

Submissions (5):

CeGaT Center for Human Genetics Tuebingen
Classification: Likely benign. Last evaluated: 2026-04-01. Review status: criteria provided, single submitter. Criteria: CeGaT Center For Human Genetics Tuebingen Variant Classification Criteria Version 2. Collection method: clinical testing. Allele origin: germline. Affected: yes. Observed: 1 variant allele.
Comment: PGM1: BP4, BP7

Labcorp Genetics (formerly Invitae), Labcorp
Classification: Likely benign for PGM1-congenital disorder of glycosylation. Last evaluated: 2026-01-12. Review status: criteria provided, single submitter. Criteria: Invitae Variant Classification Sherloc (09022015). Collection method: clinical testing. Allele origin: germline.

GeneDx
Classification: Likely benign. Last evaluated: 2016-11-04. Review status: criteria provided, single submitter. Criteria: GeneDx Variant Classification (06012015). Collection method: clinical testing. Allele origin: germline. Affected: yes.
Comment: This variant is considered likely benign or benign based on one or more of the following criteria: it is a conservative change, it occurs at a poorly conserved position in the protein, it is predicted to be benign by multiple in silico algorithms, and/or has population frequency not consistent with disease.

Breakthrough Genomics
Classification: Likely benign. Review status: criteria provided, single submitter. Criteria: ACMG Guidelines, 2015. Collection method: not provided. Allele origin: germline. Inheritance: Autosomal recessive inheritance. Affected: yes.

PreventionGenetics, part of Exact Sciences
Classification: Likely benign for PGM1-related condition. Last evaluated: 2020-07-20. Review status: no assertion criteria provided. Collection method: clinical testing. Allele origin: germline. Not counted in ClinVar's aggregate classification.
Comment: This variant is classified as likely benign based on ACMG/AMP sequence variant interpretation guidelines (Richards et al. 2015 PMID: 25741868, with internal and published modifications).

NM_002633.3(PGM1):c.735G>A (p.Ala245=)

Gene: PGM1 (phosphoglucomutase 1; plus strand). Cytogenetic location: 1p31.3.
Variant type: single nucleotide variant.
Coding change: c.735G>A on transcript NM_002633.3 (MANE Select); coding-DNA position 735, G replaced by A.
Protein change: p.Ala245=; no amino-acid change (alanine 245 retained).
Molecular consequence: synonymous variant.
Genome position (GRCh38, 1-based): chr1:63,634,881, G>A. VCF-style: chr1-63634881-G-A. GRCh37 (hg19) VCF-style: chr1-64100552-G-A.
Other names: c.789G>A, p.Ala263= (NM_001172818.1); c.144G>A, p.Ala48= (NM_001172819.2).
Identifiers: ClinVar variation 390409 (VCV000390409.15), dbSNP rs146028700, ClinGen allele CA889621.
Genomic context (GRCh38, chr1:63,634,881, plus strand): 5'-GTATATAGTTGTGGGACCGTATGTAAAGAAGATCCTCTGTGAAGAACTCGGTGCCCCTGC[G>A]AACTCGGCAGTTAACTGCGTTCCTCTGGAGGACTTTGGAGGCCACCACCCTGACCCCAAC-3'
Protein context (NP_002624.2, residues 235-255): KILCEELGAP[Ala245=]NSAVNCVPLE